The following is an entry in ClinVar:

ClinVar aggregate classification (germline): Uncertain significance (1 of 4 stars; one submission).

Submission:

Labcorp Genetics (formerly Invitae), Labcorp
Classification: Uncertain significance. Last evaluated: 2023-09-19. Review status: criteria provided, single submitter. Criteria: Invitae Variant Classification Sherloc (09022015). Collection method: clinical testing. Allele origin: germline.
Comment: An algorithm developed to predict the effect of missense changes on protein structure and function (PolyPhen-2) suggests that this variant is likely to be disruptive. This variant has not been reported in the literature in individuals affected with SPTB-related conditions. This variant is not present in population databases (gnomAD no frequency). This sequence change replaces serine, which is neutral and polar, with phenylalanine, which is neutral and non-polar, at codon 1351 of the SPTB protein (p.Ser1351Phe). In summary, the available evidence is currently insufficient to determine the role of this variant in disease. Therefore, it has been classified as a Variant of Uncertain Significance.

NM_001355436.2(SPTB):c.4052C>T (p.Ser1351Phe)

Gene: SPTB (spectrin beta, erythrocytic; minus strand). Cytogenetic location: 14q23.3.
Variant type: single nucleotide variant.
Coding change: c.4052C>T on transcript NM_001355436.2 (MANE Select); coding-DNA position 4052, C replaced by T.
Protein change: p.Ser1351Phe; replaces serine 1351 with phenylalanine.
Molecular consequence: missense variant.
Genome position (GRCh38, 1-based): chr14:64,782,504, G>A on the plus strand (C>T on the coding strand, the complement: SPTB is on the minus strand). VCF-style: chr14-64782504-G-A. GRCh37 (hg19) VCF-style: chr14-65249222-G-A.
Other names: c.4052C>T, p.Ser1351Phe (NM_001024858.4, NM_001355437.2); short protein forms S1351F.
Identifiers: ClinVar variation 2761634 (VCV002761634.3), dbSNP rs2503104214, ClinGen allele CA390045108.